The following is an entry in ClinVar:

NM_000179.3(MSH6):c.842G>T (p.Gly281Val)

Gene: MSH6 (mutS homolog 6; plus strand). Cytogenetic location: 2p16.3.
Variant type: single nucleotide variant.
Coding change: c.842G>T on transcript NM_000179.3 (MANE Select); coding-DNA position 842, G replaced by T.
Protein change: p.Gly281Val; replaces glycine 281 with valine.
Molecular consequence: missense variant. On other transcripts: 5 prime UTR variant (2).
Genome position (GRCh38, 1-based): chr2:47,798,825, G>T. VCF-style: chr2-47798825-G-T. GRCh37 (hg19) VCF-style: chr2-48025964-G-T.
Other names: c.452G>T, p.Gly151Val (NM_001281492.2); c.-65G>T (NM_001281493.2, NM_001281494.2); short protein forms G281V, G151V.
Identifiers: ClinVar variation 455353 (VCV000455353.19), dbSNP rs773445382, ClinGen allele CA073491.

ClinVar aggregate classification (germline): Conflicting classifications of pathogenicity. Review status: criteria provided, conflicting classifications (1 of 4 stars). 4 submissions from 4 submitters: Uncertain significance (3); Likely benign (1). Last evaluated 2025-09-15.

Conditions:
Hereditary nonpolyposis colorectal neoplasms. Identifiers: MedGen C0009405, MeSH D003123.
Hereditary cancer-predisposing syndrome. Also called: Hereditary Cancer Syndrome; Hereditary neoplastic syndrome; Neoplastic Syndromes, Hereditary; Tumor predisposition. Identifiers: Orphanet 140162, MedGen C0027672, MeSH D009386, MONDO:0015356.
Lynch syndrome. Identifiers: Orphanet 144, MedGen C4552100, MONDO:0005835. Disease mechanism: loss of function.

Allele frequency attached by ClinVar (database versions not stated): gnomAD exomes below 0.00001; ExAC 0.00001; TOPMed below 0.00001.
gnomAD v4.1: 1 of 1,614,198 alleles (0.000062%); highest among the groups gnomAD compares: Non-Finnish European, 0.000085%; no homozygotes.

Submissions (4):

Labcorp Genetics (formerly Invitae), Labcorp
Classification: Likely benign for Hereditary nonpolyposis colorectal neoplasms. Last evaluated: 2025-09-15. Review status: criteria provided, single submitter. Criteria: Invitae Variant Classification Sherloc (09022015). Collection method: clinical testing. Allele origin: germline.

Color Diagnostics, LLC DBA Color Health
Classification: Uncertain significance for Hereditary cancer-predisposing syndrome. Last evaluated: 2024-11-18. Review status: criteria provided, single submitter. Criteria: ACMG Guidelines, 2015. Collection method: clinical testing. Allele origin: germline.
Comment: This missense variant replaces glycine with valine at codon 281 of the MSH6 protein. Computational prediction suggests that this variant may not impact protein structure and function (internally defined REVEL score threshold <= 0.5, PMID: 27666373). To our knowledge, functional studies have not been reported for this variant. This variant has not been reported in individuals affected with MSH6-related disorders in the literature. This variant has been identified in 1/251146 chromosomes in the general population by the Genome Aggregation Database (gnomAD). The available evidence is insufficient to determine the role of this variant in disease conclusively. Therefore, this variant is classified as a Variant of Uncertain Significance.

Ambry Genetics
Classification: Uncertain significance for Hereditary cancer-predisposing syndrome. Last evaluated: 2024-04-07. Review status: criteria provided, single submitter. Criteria: Ambry Variant Classification Scheme 2023. Collection method: clinical testing. Allele origin: germline.
Comment: The p.G281V variant (also known as c.842G>T), located in coding exon 4 of the MSH6 gene, results from a G to T substitution at nucleotide position 842. The glycine at codon 281 is replaced by valine, an amino acid with dissimilar properties. This amino acid position is well conserved in available vertebrate species. In addition, the in silico prediction for this alteration is inconclusive. Since supporting evidence is limited at this time, the clinical significance of this alteration remains unclear.

All of Us Research Program, National Institutes of Health
Classification: Uncertain significance for Lynch syndrome. Last evaluated: 2023-05-04. Review status: criteria provided, single submitter. Criteria: ACMG Guidelines, 2015. Collection method: clinical testing. Allele origin: germline. Inheritance: Autosomal dominant inheritance. Observed: 1 variant allele, 1 heterozygote.
Comment: This missense variant replaces glycine with valine at codon 281 of the MSH6 protein. Computational prediction suggests that this variant may not impact protein structure and function (internally defined REVEL score threshold <= 0.5, PMID: 27666373). To our knowledge, functional studies have not been reported for this variant. This variant has not been reported in individuals affected with MSH6-related disorders in the literature. This variant has been identified in 1/251146 chromosomes in the general population by the Genome Aggregation Database (gnomAD). The available evidence is insufficient to determine the role of this variant in disease conclusively. Therefore, this variant is classified as a Variant of Uncertain Significance.

This study involves interpretation of variants in research participants for the purpose of population health screening. Participant phenotype was not available at the time of variant classification. Additional details can be found in publication PMID: 35346344, PMCID: PMC8962531